The following is an entry in ClinVar:

ClinVar aggregate classification (germline): Pathogenic. Review status: criteria provided, single submitter (1 of 4 stars). 2 submissions from 2 submitters: Pathogenic (1). 1 of the submissions does not count toward it. Last evaluated 2023-05-16.

Conditions:
Smith-Lemli-Opitz syndrome (SLOS). Also called: LETHAL ACRODYSGENITAL SYNDROME; POLYDACTYLY, SEX REVERSAL, RENAL HYPOPLASIA, AND UNILOBAR LUNG; RSH SYNDROME; RUTLEDGE LETHAL MULTIPLE CONGENITAL ANOMALY SYNDROME; 7-Dehydrocholesterol reductase deficiency. Identifiers: Orphanet 818, MedGen C0175694, MONDO:0010035, OMIM 270400.

Submissions (2):

Labcorp Genetics (formerly Invitae), Labcorp
Classification: Pathogenic for Smith-Lemli-Opitz syndrome. Last evaluated: 2023-05-16. Review status: criteria provided, single submitter. Criteria: Invitae Variant Classification Sherloc (09022015). Collection method: clinical testing. Allele origin: germline.
Comment: This variant has not been reported in the literature in individuals affected with DHCR7-related conditions. ClinVar contains an entry for this variant (Variation ID: 553880). This variant disrupts a region of the DHCR7 protein in which other variant(s) (p.Val466Met) have been determined to be pathogenic (PMID: 21990131, 22391996, 23042628; Invitae). This suggests that this is a clinically significant region of the protein, and that variants that disrupt it are likely to be disease-causing. For these reasons, this variant has been classified as Pathogenic. This sequence change creates a premature translational stop signal (p.Pro335Argfs*78) in the DHCR7 gene. While this is not anticipated to result in nonsense mediated decay, it is expected to disrupt the last 141 amino acid(s) of the DHCR7 protein. This variant is not present in population databases (gnomAD no frequency).

Counsyl
Classification: Likely pathogenic for Smith-Lemli-Opitz syndrome. Last evaluated: 2017-09-19. Review status: no assertion criteria provided. Collection method: clinical testing. Allele origin: unknown. Not counted in ClinVar's aggregate classification.

Literature cited by the submitters: PubMed 21990131 (cited by Labcorp Genetics (formerly Invitae), Labcorp); PubMed 22391996 (cited by Labcorp Genetics (formerly Invitae), Labcorp); PubMed 23042628 (cited by Labcorp Genetics (formerly Invitae), Labcorp).

NM_001360.3(DHCR7):c.1004del (p.Pro335fs)

Gene: DHCR7 (7-dehydrocholesterol reductase; minus strand). Cytogenetic location: 11q13.4.
Variant type: Deletion.
Coding change: c.1004del on transcript NM_001360.3 (MANE Select); coding-DNA position 1004, one base deleted (C; older notation c.1004delC).
Protein change: p.Pro335fs; shifts the reading frame from proline 335.
Molecular consequence: frameshift variant.
Genome position (GRCh38, 1-based): chr11:71,435,799, G deleted on the plus strand (C on the coding strand, the reverse complement: DHCR7 is on the minus strand); the first of 4 consecutive G bases (chr11:71,435,799-71,435,802); deleting any one gives the same sequence. VCF-style (leftmost placement, unchanged base first): chr11-71435798-CG-C. GRCh37 (hg19) VCF-style: chr11-71146844-CG-C.
Other names: c.1004delC (NM_001360.2); c.1004del, p.Pro335fs (NM_001163817.2); short protein forms P335fs.
Identifiers: ClinVar variation 553880 (VCV000553880.5), dbSNP rs1555145646, ClinGen allele CA658823153.